The following is an entry in ClinVar:

NM_000182.5(HADHA):c.*302G>A

Genes: HADHA (hydroxyacyl-CoA dehydrogenase trifunctional multienzyme complex subunit alpha; minus strand), GAREM2 (GRB2 associated regulator of MAPK1 subtype 2; plus strand). Cytogenetic location: 2p23.3.
Variant type: single nucleotide variant.
Coding change: c.*302G>A on transcript NM_000182.5 (MANE Select); 302 bases downstream of the stop codon, G replaced by A.
Molecular consequence: 3 prime UTR variant.
Genome position (GRCh38, 1-based): chr2:26,190,948, C>T on the plus strand (G>A on the coding strand, the complement: HADHA is on the minus strand). VCF-style: chr2-26190948-C-T. GRCh37 (hg19) VCF-style: chr2-26413817-C-T.
Identifiers: ClinVar variation 335371 (VCV000335371.9), dbSNP rs1049987, ClinGen allele CA10613367.

ClinVar aggregate classification (germline): Benign. Review status: criteria provided, multiple submitters, no conflicts (2 of 4 stars). 4 submissions from 3 submitters: Benign (4). Last evaluated 2018-06-19.

Conditions:
Long chain 3-hydroxyacyl-CoA dehydrogenase deficiency. Also called: Deficiency of long-chain 3-hydroxyacyl-coenzyme A dehydrogenase; LCHAD Deficiency. Identifiers: Orphanet 5, MedGen C3711645, MONDO:0012173, OMIM 609016.
Mitochondrial trifunctional protein deficiency. Identifiers: Orphanet 746, MedGen C1969443, MONDO:0012172.

Allele frequency attached by ClinVar (database versions not stated): 1000 Genomes Project 30x 0.14147; 1000 Genomes Project 0.14357; TOPMed 0.16049; gnomAD 0.17222 and 0.17345; gnomAD exomes 0.20365.
gnomAD v4.1: 99,540 of 511,080 alleles (19%); highest among the groups gnomAD compares: Middle Eastern, 23%; 10,723 homozygotes.

Submissions (4):

GeneDx
Classification: Benign. Last evaluated: 2018-06-19. Review status: criteria provided, single submitter. Criteria: GeneDx Variant Classification Process June 2021. Collection method: clinical testing. Allele origin: germline. Affected: yes.

Illumina Laboratory Services, Illumina
Classification: Benign for Long chain 3-hydroxyacyl-CoA dehydrogenase deficiency. Last evaluated: 2018-01-12. Review status: criteria provided, single submitter. Criteria: ICSL Variant Classification Criteria 13 December 2019. Collection method: clinical testing. Allele origin: germline.
Comment: This variant was observed in the ICSL laboratory as part of a predisposition screen in an ostensibly healthy population. It had not been previously curated by ICSL or reported in the Human Gene Mutation Database (HGMD: prior to June 1st, 2018), and was therefore a candidate for classification through an automated scoring system. Utilizing variant allele frequency, disease prevalence and penetrance estimates, and inheritance mode, an automated score was calculated to assess if this variant is too frequent to cause the disease. Based on the score and internal cut-off values, a variant classified as benign is not then subjected to further curation. The score for this variant resulted in a classification of benign for this disease.

Illumina Laboratory Services, Illumina
Classification: Benign for Mitochondrial trifunctional protein deficiency 1. Last evaluated: 2018-01-12. Review status: criteria provided, single submitter. Criteria: ICSL Variant Classification Criteria 13 December 2019. Collection method: clinical testing. Allele origin: germline.
Comment: the same text as in the submission from Illumina Laboratory Services, Illumina above.

Breakthrough Genomics
Classification: Benign. Review status: criteria provided, single submitter. Criteria: ACMG Guidelines, 2015. Collection method: not provided. Allele origin: germline. Inheritance: Autosomal recessive inheritance. Affected: yes.